The following is an entry in ClinVar:

NM_000426.4(LAMA2):c.4307G>A (p.Cys1436Tyr)

Gene: LAMA2 (laminin subunit alpha 2; plus strand). Cytogenetic location: 6q22.33.
Variant type: single nucleotide variant.
Coding change: c.4307G>A on transcript NM_000426.4 (MANE Select); coding-DNA position 4307, G replaced by A.
Protein change: p.Cys1436Tyr; replaces cysteine 1436 with tyrosine.
Molecular consequence: missense variant.
Genome position (GRCh38, 1-based): chr6:129,328,408, G>A. VCF-style: chr6-129328408-G-A. GRCh37 (hg19) VCF-style: chr6-129649553-G-A.
Other names: c.4307G>A, p.Cys1436Tyr (NM_001079823.2); short protein forms C1436Y.
Identifiers: ClinVar variation 5003760 (VCV005003760.1).

ClinVar aggregate classification (germline): Uncertain significance (1 of 4 stars; one submission).

Conditions:
LAMA2-related muscular dystrophy (LAMA2-RD). Also called: Laminin alpha 2-related dystrophy. Identifiers: MedGen C5679788, MONDO:0100228.

Submission:

Myriad Genetics, Inc.
Classification: Uncertain significance for LAMA2-related muscular dystrophy. Last evaluated: 2026-01-08. Review status: criteria provided, single submitter. Criteria: Myriad Autosomal Dominant, Autosomal Recessive and X-Linked Classification Criteria (2023). Collection method: clinical testing. Allele origin: unknown.
Comment: NM_000426.3(LAMA2):c.4307G>A(C1436Y) is a missense variant classified as a variant of uncertain significance in the context of muscular dystrophy, LAMA2-related. C1436Y has not been observed in cases with relevant disease. Relevant functional assessments of this variant are not available in the literature. C1436Y has not been observed in referenced population frequency databases. In summary, there is insufficient evidence to classify NM_000426.3(LAMA2):c.4307G>A(C1436Y) as pathogenic or benign. Please note: this variant was assessed in the context of healthy population screening.